The following is an entry in ClinVar:

ClinVar aggregate classification (germline): Pathogenic. Review status: criteria provided, multiple submitters, no conflicts (2 of 4 stars). 7 submissions from 7 submitters: Pathogenic (6). 1 of the submissions does not count toward it. Last evaluated 2025-11-04.

Conditions:
Becker muscular dystrophy (BMD). Also called: MUSCULAR DYSTROPHY, PSEUDOHYPERTROPHIC PROGRESSIVE, BECKER TYPE; Becker Muscular Dystrophy (BMD). Identifiers: Orphanet 98895, MedGen C0917713, MONDO:0010311, OMIM 300376.
Duchenne muscular dystrophy (DMD). Also called: MUSCULAR DYSTROPHY, PSEUDOHYPERTROPHIC PROGRESSIVE, DUCHENNE TYPE; Duchenne Muscular Dystrophy (DMD). Identifiers: Orphanet 98896, MedGen C0013264, MONDO:0010679, OMIM 310200.
Dilated cardiomyopathy 3B (CMD3B). Also called: CMD3B: DMD-Related Dilated Cardiomyopathy; CARDIOMYOPATHY, DILATED, X-LINKED; DMD-Associated Dilated Cardiomyopathy. Identifiers: Orphanet 154, MedGen C3668940, MONDO:0010542, OMIM 302045.

Allele frequency attached by ClinVar (database versions not stated): gnomAD 0.00001.
gnomAD v4.1: 1 of 1,207,425 alleles (0.000083%); highest among the groups gnomAD compares: African/African-American, 0.0018%; no homozygotes.

Submissions (7):

Labcorp Genetics (formerly Invitae), Labcorp
Classification: Pathogenic for Duchenne muscular dystrophy. Last evaluated: 2025-11-04. Review status: criteria provided, single submitter. Criteria: Invitae Variant Classification Sherloc (09022015). Collection method: clinical testing. Allele origin: germline.
Comment: This sequence change creates a premature translational stop signal (p.Arg2095*) in the DMD gene. It is expected to result in an absent or disrupted protein product. Loss-of-function variants in DMD are known to be pathogenic (PMID: 16770791, 25007885). This variant is present in population databases (rs398124008, gnomAD 0.02%). This premature translational stop signal has been observed in individuals with Duchenne or Becker muscular dystrophy (PMID: 8784808, 23536893, 26081009, 27593222). This variant is also known as 6492C>T. ClinVar contains an entry for this variant (Variation ID: 94697). For these reasons, this variant has been classified as Pathogenic.

Revvity Omics, Revvity
Classification: Pathogenic. Last evaluated: 2022-11-14. Review status: criteria provided, single submitter. Criteria: ACMG Guidelines, 2015. Collection method: clinical testing. Allele origin: germline.

Mendelics
Classification: Pathogenic for Duchenne muscular dystrophy. Last evaluated: 2019-05-28. Review status: criteria provided, single submitter. Criteria: Mendelics Assertion Criteria 2017. Collection method: clinical testing. Allele origin: unknown.

CeGaT Center for Human Genetics Tuebingen
Classification: Pathogenic. Last evaluated: 2018-10-01. Review status: criteria provided, single submitter. Criteria: CeGaT Center For Human Genetics Tuebingen Variant Classification Criteria Version 2. Collection method: clinical testing. Allele origin: germline. Affected: yes. Observed: 1 variant allele.

GeneDx
Classification: Pathogenic. Last evaluated: 2018-06-05. Review status: criteria provided, single submitter. Criteria: GeneDx Variant Classification Process June 2021. Collection method: clinical testing. Allele origin: germline. Affected: yes.
Comment: Based on the understanding of this genetic alteration, it may be amenable to nonsense read-through therapy that is currently available or in clinical trial; This variant is associated with the following publications: (PMID: 27593222, 26081009, 15351422, 26740235, 8784808, 17041906, 25525159)

Juno Genomics, Hangzhou Juno Genomics, Inc
Classification: Pathogenic for Becker muscular dystrophy; Dilated cardiomyopathy 3B; Duchenne muscular dystrophy. Review status: criteria provided, single submitter. Criteria: ACMG Guidelines, 2015. Collection method: clinical testing. Allele origin: germline.
Comment: Absent from controls (or at extremely low frequency if recessive) in Genome Aggregation Database.;Null variant in a gene where loss of function (LOF) is a known mechanism of disease.;The prevalence of the variant in affected individuals is significantly increased compared to the prevalence in controls.;Patient's phenotype or family history is highly specific for a disease with a single genetic etiology.

Department of Reproductive Genetics, International Peace Maternity and Child Health Hospital, Shanghai Jiao Tong University School of Medicine
Classification: Pathogenic for Duchenne muscular dystrophy. Last evaluated: 2025-05-01. Review status: no assertion criteria provided. Collection method: clinical testing. Allele origin: inherited. Affected: yes. Not counted in ClinVar's aggregate classification.

Literature cited by the submitters: PubMed 16770791 (cited by Labcorp Genetics (formerly Invitae), Labcorp); PubMed 25007885 (cited by Labcorp Genetics (formerly Invitae), Labcorp); PubMed 8784808 (cited by Labcorp Genetics (formerly Invitae), Labcorp); PubMed 23536893 (cited by Labcorp Genetics (formerly Invitae), Labcorp and Department of Reproductive Genetics, International Peace Maternity and Child Health Hospital, Shanghai Jiao Tong University School of Medicine); PubMed 26081009 (cited by Labcorp Genetics (formerly Invitae), Labcorp and Department of Reproductive Genetics, International Peace Maternity and Child Health Hospital, Shanghai Jiao Tong University School of Medicine); PubMed 27593222 (cited by Labcorp Genetics (formerly Invitae), Labcorp and Department of Reproductive Genetics, International Peace Maternity and Child Health Hospital, Shanghai Jiao Tong University School of Medicine).

NM_004006.3(DMD):c.6283C>T (p.Arg2095Ter)

Gene: DMD (dystrophin; minus strand). Cytogenetic location: Xp21.1.
Variant type: single nucleotide variant.
Coding change: c.6283C>T on transcript NM_004006.3 (MANE Select); coding-DNA position 6283, C replaced by T.
Protein change: p.Arg2095Ter; replaces arginine 2095 with a stop codon.
Molecular consequence: nonsense.
Genome position (GRCh38, 1-based): chrX:32,287,536, G>A on the plus strand (C>T on the coding strand, the complement: DMD is on the minus strand). VCF-style: chrX-32287536-G-A. GRCh37 (hg19) VCF-style: chrX-32305653-G-A.
Other names: NP_003997.1:p.Arg2095*; c.6259C>T, p.Arg2087Ter (NM_000109.4); c.6271C>T, p.Arg2091Ter (NM_004009.3); c.5914C>T, p.Arg1972Ter (NM_004010.3); c.2260C>T, p.Arg754Ter (NM_004011.4); c.2251C>T, p.Arg751Ter (NM_004012.4); short protein forms R2095*, R2087*, R754*, R1972*, R751*, R2091*.
Identifiers: ClinVar variation 94697 (VCV000094697.60), dbSNP rs398124008, ClinGen allele CA267104.